The following is an entry in ClinVar:

NM_001304569.2(PAX2):c.25+31A>G

Gene: PAX2 (paired box 2; plus strand). Cytogenetic location: 10q24.31.
Variant type: single nucleotide variant.
Coding change: c.25+31A>G on transcript NM_001304569.2; 31 bases into the intron after coding-DNA position 25, A replaced by G.
Molecular consequence: intron variant.
Genome position (GRCh38, 1-based): chr10:100,735,764, A>G. VCF-style: chr10-100735764-A-G. GRCh37 (hg19) VCF-style: chr10-102495521-A-G.
Other names: c.25+31A>G (NM_001374303.1).
Identifiers: ClinVar variation 1326988 (VCV001326988.7), dbSNP rs4919486, ClinGen allele CA13166903.

ClinVar aggregate classification (germline): Benign. Review status: criteria provided, multiple submitters, no conflicts (2 of 4 stars). 4 submissions from 3 submitters: Benign (4). Last evaluated 2024-07-15.

Conditions:
Focal segmental glomerulosclerosis 7 (FSGS7). Identifiers: Orphanet 656, MedGen C4014925, MONDO:0014451, OMIM 616002.
Renal coloboma syndrome (PAPRS). Also called: PAPILLORENAL SYNDROME; COLOBOMA OF OPTIC NERVE WITH RENAL DISEASE; OPTIC COLOBOMA, VESICOURETERAL REFLUX, AND RENAL ANOMALIES; OPTIC NERVE COLOBOMA WITH RENAL DISEASE; RENAL-COLOBOMA SYNDROME WITH MACULAR ABNORMALITIES; PAPILLORENAL SYNDROME WITH MILD OCULAR ABNORMALITIES. Identifiers: Orphanet 1475, MedGen C1852759, MONDO:0007352, OMIM 120330.

Allele frequency attached by ClinVar (database versions not stated): 1000 Genomes Project 0.85024; gnomAD 0.79471 and 0.80153; gnomAD exomes 0.80026; TOPMed 0.79367; 1000 Genomes Project 30x 0.84806.
gnomAD v4.1: 822,502 of 1,027,292 alleles (80%); highest among the groups gnomAD compares: East Asian, 100%; 329,982 homozygotes.

Submissions (4):

Unidad de Genómica Garrahan, Hospital de Pediatría Garrahan
Classification: Benign. Last evaluated: 2024-07-15. Review status: criteria provided, single submitter. Criteria: ACMG Guidelines, 2015. Collection method: clinical testing. Allele origin: germline. Affected: no. Observed: 90 variant alleles.
Comment: This variant is classified as Benign based on local population frequency. This variant was detected in 97% of patients studied in a panel designed for Epileptic and Developmental Encephalopathy and Progressive Myoclonus Epilepsy. Number of patients: 90. Only high quality variants are reported.

Genome-Nilou Lab
Classification: Benign for Focal segmental glomerulosclerosis 7. Last evaluated: 2021-09-05. Review status: criteria provided, single submitter. Criteria: ACMG Guidelines, 2015. Collection method: clinical testing. Allele origin: germline. Affected: no.

Genome-Nilou Lab
Classification: Benign for Renal coloboma syndrome. Last evaluated: 2021-09-05. Review status: criteria provided, single submitter. Criteria: ACMG Guidelines, 2015. Collection method: clinical testing. Allele origin: germline. Affected: no.

Breakthrough Genomics
Classification: Benign. Review status: criteria provided, single submitter. Criteria: ACMG Guidelines, 2015. Collection method: not provided. Allele origin: germline. Inheritance: Autosomal dominant inheritance. Affected: yes.